The following is an entry in ClinVar:

ClinVar aggregate classification (germline): Uncertain significance. Review status: criteria provided, multiple submitters, no conflicts (2 of 4 stars). 2 submissions from 2 submitters: Uncertain significance (2). Last evaluated 2025-05-27.

Conditions:
Tuberous sclerosis syndrome (TSC). Also called: Tuberous Sclerosis Complex; Tuberous sclerosis. Identifiers: Orphanet 805, MedGen C0041341, MONDO:0001734.
Hereditary cancer-predisposing syndrome. Also called: Hereditary neoplastic syndrome; Neoplastic Syndromes, Hereditary; Tumor predisposition; Hereditary Cancer Syndrome. Identifiers: Orphanet 140162, MedGen C0027672, MeSH D009386, MONDO:0015356.

Submissions (2):

Ambry Genetics
Classification: Uncertain significance for Hereditary cancer-predisposing syndrome. Last evaluated: 2025-05-27. Review status: criteria provided, single submitter. Criteria: Ambry Variant Classification Scheme 2023. Collection method: clinical testing. Allele origin: germline.
Comment: The p.L394P variant (also known as c.1181T>C), located in coding exon 11 of the TSC2 gene, results from a T to C substitution at nucleotide position 1181. The leucine at codon 394 is replaced by proline, an amino acid with similar properties. This amino acid position is conserved. In addition, this alteration is predicted to be deleterious by in silico analysis. Based on the available evidence, the clinical significance of this variant remains unclear.

All of Us Research Program, National Institutes of Health
Classification: Uncertain significance for Tuberous sclerosis syndrome. Last evaluated: 2023-11-30. Review status: criteria provided, single submitter. Criteria: ACMG Guidelines, 2015. Collection method: clinical testing. Allele origin: germline. Inheritance: Autosomal dominant inheritance. Observed: 1 variant allele, 1 heterozygote.
Comment: This study involves interpretation of variants in research participants for the purpose of population health screening. Participant phenotype was not available at the time of variant classification. Additional details can be found in publication PMID: 35346344, PMCID: PMC8962531

NM_000548.5(TSC2):c.1181T>C (p.Leu394Pro)

Gene: TSC2 (TSC complex subunit 2; plus strand). Cytogenetic location: 16p13.3.
Variant type: single nucleotide variant.
Coding change: c.1181T>C on transcript NM_000548.5 (MANE Select); coding-DNA position 1181, T replaced by C.
Protein change: p.Leu394Pro; replaces leucine 394 with proline.
Molecular consequence: missense variant. On other transcripts: 5 prime UTR variant (10), non-coding transcript variant (5).
Genome position (GRCh38, 1-based): chr16:2,061,932, T>C. VCF-style: chr16-2061932-T-C. GRCh37 (hg19) VCF-style: chr16-2111933-T-C.
Other names: c.1181T>C, p.Leu394Pro (NM_001077183.3, NM_001114382.3, NM_021055.3 and 6 more transcripts); c.1070T>C, p.Leu357Pro (NM_001318827.2, NM_001406678.1, NM_001406670.1); c.1034T>C, p.Leu345Pro (NM_001318829.2, NM_001406675.1, NM_001406676.1 and 1 more transcripts); c.581T>C, p.Leu194Pro (NM_001318831.2, NM_001406680.1, NM_001406682.1 and 6 more transcripts); c.1169T>C, p.Leu390Pro (NM_001406671.1, NM_001406673.1); c.1124T>C, p.Leu375Pro (NM_001406677.1); c.719T>C, p.Leu240Pro (NM_001406681.1); c.-164T>C (NM_001406693.1, NM_001406696.1, NM_001406697.1 and 4 more transcripts); and 4 more; short protein forms L194P, L240P, L345P, L357P, L375P, L390P, L394P, L405P.
Identifiers: ClinVar variation 3073971 (VCV003073971.2), dbSNP rs2548537534, ClinGen allele CA394320519.